The following is an entry in ClinVar:

ClinVar aggregate classification (germline): Uncertain significance (1 of 4 stars; one submission).

Allele frequency attached by ClinVar (database versions not stated): gnomAD exomes below 0.00001 and 0.00001; gnomAD 0.00001; TOPMed 0.00001.
gnomAD v4.1: 16 of 1,613,960 alleles (0.00099%); highest among the groups gnomAD compares: East Asian, 0.0067%; no homozygotes.

Submission:

Labcorp Genetics (formerly Invitae), Labcorp
Classification: Uncertain significance. Last evaluated: 2021-12-03. Review status: criteria provided, single submitter. Criteria: Invitae Variant Classification Sherloc (09022015). Collection method: clinical testing. Allele origin: germline.
Comment: This sequence change replaces alanine, which is neutral and non-polar, with threonine, which is neutral and polar, at codon 285 of the UPB1 protein (p.Ala285Thr). The frequency data for this variant in the population databases is considered unreliable, as metrics indicate poor data quality at this position in the gnomAD database. This missense change has been observed in individual(s) with beta-ureidopropionase deficiency (PMID: 30608453). In at least one individual the data is consistent with being in trans (on the opposite chromosome) from a pathogenic variant. Algorithms developed to predict the effect of missense changes on protein structure and function are either unavailable or do not agree on the potential impact of this missense change (SIFT: "Tolerated"; PolyPhen-2: "Possibly Damaging"; Align-GVGD: "Class C0"). In summary, the available evidence is currently insufficient to determine the role of this variant in disease. Therefore, it has been classified as a Variant of Uncertain Significance.

Literature cited by the submitters: PubMed 30608453.

NM_016327.3(UPB1):c.853G>A (p.Ala285Thr)

Gene: UPB1 (beta-ureidopropionase 1; plus strand). Cytogenetic location: 22q11.23.
Variant type: single nucleotide variant.
Coding change: c.853G>A on transcript NM_016327.3 (MANE Select); coding-DNA position 853, G replaced by A.
Protein change: p.Ala285Thr; replaces alanine 285 with threonine.
Molecular consequence: missense variant.
Genome position (GRCh38, 1-based): chr22:24,520,448, G>A. VCF-style: chr22-24520448-G-A. GRCh37 (hg19) VCF-style: chr22-24916416-G-A.
Other names: short protein forms A285T.
Identifiers: ClinVar variation 1520908 (VCV001520908.8), dbSNP rs1375840064, ClinGen allele CA410969244.